The following is an entry in ClinVar:

ClinVar aggregate classification (germline): Benign (1 of 4 stars; one submission).

Submission:

GeneDx
Classification: Benign. Last evaluated: 2018-06-19. Review status: criteria provided, single submitter. Criteria: GeneDx Variant Classification (06012015). Collection method: clinical testing. Allele origin: germline. Affected: yes.
Comment: This variant is considered likely benign or benign based on one or more of the following criteria: it is a conservative change, it occurs at a poorly conserved position in the protein, it is predicted to be benign by multiple in silico algorithms, and/or has population frequency not consistent with disease.

NM_024753.5(TTC21B):c.553-295_553-294insTCC

Genes: TTC21B (tetratricopeptide repeat domain 21B; minus strand), TTC21B-AS1 (TTC21B antisense RNA 1; plus strand). Cytogenetic location: 2q24.3.
Variant type: Insertion.
Coding change: c.553-295_553-294insTCC on transcript NM_024753.5 (MANE Select); 295 bases into the intron before coding-DNA position 553 through 294 bases into the intron before coding-DNA position 553, TCC inserted.
Molecular consequence: intron variant.
Genome position: GRCh38 VCF-style: chr2-165941478-C-CAGG. GRCh37 (hg19) VCF-style: chr2-166797988-C-CAGG.
Identifiers: ClinVar variation 667575 (VCV000667575.1), dbSNP rs68036135, ClinGen allele CA59764716.
Genomic context (GRCh38, chr2:165,941,478, plus strand): 5'-AAGGATAAAATTTTTTAAAATGTTCTCGGAAATACCATAAAATAATGTTTCCATTTAAAA[C>CAGG]AAAATTATCTTTTTAGATTAAAATGTTTCCAGGAAATTTTCAAGTAGCATCTAAAATTTT-3'